The following is an entry in ClinVar:

ClinVar aggregate classification (germline): Pathogenic/Likely pathogenic. Review status: criteria provided, multiple submitters, no conflicts (2 of 4 stars). 8 submissions from 8 submitters: Pathogenic (5); Likely pathogenic (3). Last evaluated 2025-05-28.

Conditions:
Cardiovascular phenotype. Identifiers: MedGen CN230736.
Familial isolated arrhythmogenic right ventricular dysplasia. Identifiers: Orphanet 217656, MedGen C4274968, MONDO:0016342.
Arrhythmogenic right ventricular cardiomyopathy (ARVD). Also called: Arrhythmogenic right ventricular dysplasia; Arrhythmogenic cardiomyopathy; Arrhythmogenic Right Ventricular Cardiomyopathy (ARVC); Cardiomyopathy, ARVC. Identifiers: Orphanet 247, MedGen C0349788, MeSH D019571, MONDO:0016587. Disease mechanism: loss of function. Inheritance: Various modes of inheritance.
Cardiomyopathy (CMYO). Also called: Cardiomyopathies. Identifiers: Orphanet 167848, MedGen C0878544, MONDO:0004994, HP:0001638. Inheritance: Various modes of inheritance.
Arrhythmogenic right ventricular dysplasia 9 (ARVD9). Also called: ARRHYTHMOGENIC RIGHT VENTRICULAR DYSPLASIA, FAMILIAL, 9; Arrhythmogenic Right Ventricular Dysplasia/Cardiomyopathy 9. Identifiers: MedGen C1836906, MONDO:0012180, OMIM 609040.

Allele frequency attached by ClinVar (database versions not stated): gnomAD exomes below 0.00001 and 0.00001; ExAC 0.00001.

Submissions (8):

Labcorp Genetics (formerly Invitae), Labcorp
Classification: Pathogenic for Arrhythmogenic right ventricular dysplasia 9. Last evaluated: 2025-05-28. Review status: criteria provided, single submitter. Criteria: Invitae Variant Classification Sherloc (09022015). Collection method: clinical testing. Allele origin: germline.
Comment: This sequence change creates a premature translational stop signal (p.Val608Cysfs*6) in the PKP2 gene. It is expected to result in an absent or disrupted protein product. Loss-of-function variants in PKP2 are known to be pathogenic (PMID: 15489853, 17041889, 23911551). This variant is present in population databases (rs397517010, gnomAD 0.0009%). This premature translational stop signal has been observed in individuals with arrhythmogenic right ventricular cardiomyopathy (PMID: 28588093; internal data). ClinVar contains an entry for this variant (Variation ID: 45047). For these reasons, this variant has been classified as Pathogenic.

Molecular Genetics, Royal Melbourne Hospital
Classification: Pathogenic for Arrhythmogenic right ventricular cardiomyopathy. Last evaluated: 2024-03-01. Review status: criteria provided, single submitter. Criteria: ACMG Guidelines, 2015. Collection method: clinical testing. Allele origin: germline. Inheritance: Autosomal dominant inheritance. Affected: yes.
Comment: This sequence change in PKP2 is a frameshift variant predicted to cause a premature stop codon, p.(Val564Cysfs*6), in biologically relevant exon 8/14 leading to nonsense-mediated decay in a gene in which loss of function is an established disease mechanism. The highest population minor allele frequency in the population database gnomAD v4.0 is 0.0009% (10/1,111,944 alleles) in the European (non-Finnish) population. This variant has been reported in at least four unrelated probands with a clinical diagnosis of arrhythmogenic right ventricular cardiomyopathy and segregates with disease in at least two families (PMID: 31319917, 28588093, 34469894). Based on the classification scheme RMH Modified ACMG/AMP Guidelines v1.6.1, this variant is classified as PATHOGENIC. Following criteria are met: PVS1, PM2_Supporting, PP1, PS4_Supporting

GeneDx
Classification: Pathogenic. Last evaluated: 2022-09-22. Review status: criteria provided, single submitter. Criteria: GeneDx Variant Classification Process June 2021. Collection method: clinical testing. Allele origin: germline. Affected: yes.
Comment: Frameshift variant predicted to result in protein truncation or nonsense mediated decay in a gene for which loss-of-function is a known mechanism of disease; Not observed at significant frequency in large population cohorts (gnomAD); This variant is associated with the following publications: (PMID: 25616645, 34120153, 23671136, 26314686, 25820315, 28588093, 31402444, 31447099, 31386562, 35536239, 31319917)

Women's Health and Genetics/Laboratory Corporation of America, LabCorp
Classification: Pathogenic for Familial isolated arrhythmogenic right ventricular dysplasia. Last evaluated: 2022-05-31. Review status: criteria provided, single submitter. Criteria: LabCorp Variant Classification Summary - May 2015. Collection method: clinical testing. Allele origin: germline.
Comment: Variant summary: PKP2 c.1821dupT (p.Val608CysfsX6) results in a premature termination codon, predicted to cause a truncation of the encoded protein or absence of the protein due to nonsense mediated decay, which are commonly known mechanisms for disease. Truncations downstream of this position have been classified as pathogenic by our laboratory. The variant allele was found at a frequency of 4e-06 in 251212 control chromosomes. c.1821dupT has been reported in the literature in individuals affected with Arrhythmogenic Right Ventricular Dysplasia/Cardiomyopathy (example, Bhonsale_2013, te Riele_2016, DeWitt_2020). These data indicate that the variant is likely to be associated with disease. To our knowledge, no experimental evidence demonstrating an impact on protein function has been reported. Six clinical diagnostic laboratories have submitted clinical-significance assessments for this variant to ClinVar after 2014 without evidence for independent evaluation. All laboratories classified the variant as pathogenic/likely pathogenic. Based on the evidence outlined above, the variant was classified as pathogenic.

CHEO Genetics Diagnostic Laboratory, Children's Hospital of Eastern Ontario
Classification: Likely pathogenic for Cardiomyopathy. Last evaluated: 2019-03-14. Review status: criteria provided, single submitter. Criteria: ACMG Guidelines, 2015. Collection method: clinical testing. Allele origin: germline.

Human Genome Sequencing Center Clinical Lab, Baylor College of Medicine
Classification: Likely pathogenic for Arrhythmogenic right ventricular dysplasia 9. Last evaluated: 2018-04-25. Review status: criteria provided, single submitter. Criteria: ACMG Guidelines, 2015. Collection method: clinical testing. Allele origin: germline.
Comment: This c.1821_1822insT (p.Val608Cysfs*6) variant in the PKP2 gene has not been reported previously while observed with extremely low allele frequency in general population according to gnomad database. This variant is predicted to cause loss of function of normal protein through mRNA decay or producing a truncated protein, which is a known disease mechanism for this gene. Based on current evidences, this c.1821_1822insT (p.Val608Cysfs*6) variant in the PKP2 gene is classified as likely pathogenic.

Laboratory for Molecular Medicine, Mass General Brigham Personalized Medicine
Classification: Likely pathogenic for Arrhythmogenic right ventricular cardiomyopathy. Last evaluated: 2018-02-20. Review status: criteria provided, single submitter. Criteria: LMM Criteria. Collection method: clinical testing. Allele origin: germline. Inheritance: Autosomal dominant inheritance. Observed: 3 variant alleles.
Comment: The p.Val608fs variant in PKP2 has been reported in 2 individuals with clinical features of ARVC (Bhonsale 2013, LMM unpublished data). This variant has been id entified in 1/111470 of European chromosomes by the Genome Aggregation Database (gnomAD; dbSNP rs397517010) and has been previ ously reported in ClinVar (Variation ID 45047). This variant is predicted to cau se a frameshift, which alters the protein?s amino acid sequence beginning at pos ition 608 and leads to a premature termination codon 6 amino acids downstream. T his alteration is then predicted to lead to a truncated or absent protein. Heter ozygous loss of function of the PKP2 gene is an established disease mechanism in ARVC. In summary, although additional studies are required to fully establish i ts clinical significance, the p.Val608fs variant is likely pathogenic. ACMG/AMP Criteria applied: PVS1; PM2; PS4_S (Richards 2015).

Ambry Genetics
Classification: Pathogenic for Cardiovascular phenotype. Last evaluated: 2016-01-02. Review status: criteria provided, single submitter. Criteria: Ambry Variant Classification Scheme 2023. Collection method: clinical testing. Allele origin: germline.
Comment: The c.1821dupT pathogenic mutation, located in coding exon 9 of the PKP2 gene, results from a duplication of T at nucleotide position 1821, causing a translational frameshift with a predicted alternate stop codon (p.V608Cfs*6). This alteration has been reported in patients with arrhythmogenic right ventricular dysplasia/cardiomyopathy (ARVD/C) (Bhonsale A et al. Circ Arrhythm Electrophysiol. 2013;6(3):569-78; Bhonsale A et al. Eur Heart J. 2015;36(14):847-55; Groeneweg JA et al. Circ Cardiovasc Genet. 2015;8(3):437-46; te Riele AS et al. JACC: Clinical Electrophysiology. 2015;1(6):551-60). In addition to the clinical data presented in the literature, since frameshifts are typically deleterious in nature, this alteration is interpreted as a disease-causing mutation (ACMG Recommendations for Standards for Interpretation and Reporting of Sequence Variations. Revision 2007. Genet Med. 2008;10:294).

Literature cited by the submitters: PubMed 15489853 (cited by Labcorp Genetics (formerly Invitae), Labcorp); PubMed 17041889 (cited by Labcorp Genetics (formerly Invitae), Labcorp); PubMed 23911551 (cited by Labcorp Genetics (formerly Invitae), Labcorp); PubMed 28588093 (cited by Labcorp Genetics (formerly Invitae), Labcorp and Molecular Genetics, Royal Melbourne Hospital); PubMed 31319917 (cited by Molecular Genetics, Royal Melbourne Hospital and Women's Health and Genetics/Laboratory Corporation of America, LabCorp); PubMed 34469894 (cited by Molecular Genetics, Royal Melbourne Hospital); PubMed 23671136 (cited by 3 submitters); PubMed 26314686 (cited by Women's Health and Genetics/Laboratory Corporation of America, LabCorp); PubMed 25616645 (cited by Ambry Genetics); PubMed 25820315 (cited by Ambry Genetics).

NM_001005242.3(PKP2):c.1689dup (p.Val564fs)

Gene: PKP2 (plakophilin 2; minus strand). Cytogenetic location: 12p11.21.
Variant type: Duplication.
Coding change: c.1689dup on transcript NM_001005242.3 (MANE Select); coding-DNA position 1689, one base duplicated (T; older notation c.1689dupT).
Protein change: p.Val564fs; shifts the reading frame from valine 564.
Molecular consequence: frameshift variant.
Genome position (GRCh38, 1-based): chr12:32,822,617, A duplicated on the plus strand (T on the coding strand, the reverse complement: PKP2 is on the minus strand). VCF-style (leftmost placement, unchanged base first): chr12-32822616-C-CA. GRCh37 (hg19) VCF-style: chr12-32975550-C-CA.
Other names: p.Val608CysfsX6; c.1821dup, p.Val608fs (NM_004572.4); c.1821dupT (NM_004572.3); c.1689dupT (NM_001005242.3); short protein forms V608fs, V564fs.
Identifiers: ClinVar variation 45047 (VCV000045047.23), dbSNP rs397517010, ClinGen allele CA011453.
Genomic context (GRCh38, chr12:32,822,616, plus strand): 5'-GGGAATATTTCTCTGGGAGCTCTGCCTCCAGCTGGTAGGAGAGGTTATGAAGAATGCACA[C>CA]ACAATTCTCCGTGGCCTGAGAAAACAGGACAAGAATATTGATCGTATACATATAGATATC-3'